The following is an entry in ClinVar:

ClinVar aggregate classification (germline): Benign (0 of 4 stars; one submission).

Conditions:
CELSR1-related disorder. Also called: CELSR1-related condition.

Allele frequency attached by ClinVar (database versions not stated): ExAC 0.00357; 1000 Genomes Project 0.00379; ESP Exome Variant Server 0.00031; TOPMed 0.00037; 1000 Genomes Project 30x 0.00328; gnomAD 0.00342.

Submission:

PreventionGenetics, part of Exact Sciences
Classification: Benign for CELSR1-related condition. Last evaluated: 2020-05-29. Review status: no assertion criteria provided. Collection method: clinical testing. Allele origin: germline.
Comment: This variant is classified as benign based on ACMG/AMP sequence variant interpretation guidelines (Richards et al. 2015 PMID: 25741868, with internal and published modifications).

NM_001378328.1(CELSR1):c.2335G>A (p.Val779Ile)

Gene: CELSR1 (cadherin EGF LAG seven-pass G-type receptor 1; minus strand). Cytogenetic location: 22q13.31.
Variant type: single nucleotide variant.
Coding change: c.2335G>A on transcript NM_001378328.1 (MANE Select); coding-DNA position 2335, G replaced by A.
Protein change: p.Val779Ile; replaces valine 779 with isoleucine.
Molecular consequence: missense variant.
Genome position (GRCh38, 1-based): chr22:46,534,836, C>T on the plus strand (G>A on the coding strand, the complement: CELSR1 is on the minus strand). VCF-style: chr22-46534836-C-T. GRCh37 (hg19) VCF-style: chr22-46930733-C-T.
Other names: c.2335G>A, p.Val779Ile (NM_014246.4); short protein forms V779I.
Identifiers: ClinVar variation 3047226 (VCV003047226.2), dbSNP rs118087710, ClinGen allele CA10295263.